The following is an entry in ClinVar:

NM_000059.4(BRCA2):c.7733G>T (p.Gly2578Val)

Gene: BRCA2 (BRCA2 DNA repair associated; plus strand). Cytogenetic location: 13q13.1.
Variant type: single nucleotide variant.
Coding change: c.7733G>T on transcript NM_000059.4 (MANE Select); coding-DNA position 7733, G replaced by T.
Protein change: p.Gly2578Val; replaces glycine 2578 with valine.
Molecular consequence: missense variant.
Genome position (GRCh38, 1-based): chr13:32,357,857, G>T. VCF-style: chr13-32357857-G-T. GRCh37 (hg19) VCF-style: chr13-32931994-G-T.
Other names: short protein forms G2578V.
Identifiers: ClinVar variation 1362868 (VCV001362868.8), dbSNP rs398122590, ClinGen allele CA387745575.
Genomic context (GRCh38, chr13:32,357,857, plus strand): 5'-AGTCTTTTCAGTTTCACACTGAAGATTATTTTGGTAAGGAAAGTTTATGGACTGGAAAAG[G>T]AATACAGTTGGCTGATGGTGGATGGCTCATACCCTCCAATGATGGAAAGGCTGGAAAAGA-3'
Protein context (NP_000050.3, residues 2568-2588): FGKESLWTGK[Gly2578Val]IQLADGGWLI

ClinVar aggregate classification (germline): Uncertain significance (1 of 4 stars; one submission).

Conditions:
Hereditary breast ovarian cancer syndrome. Also called: Hereditary breast and ovarian cancer; Hereditary breast and/or ovarian cancer syndrome; BRCA1- and BRCA2-Associated Hereditary Breast and Ovarian Cancer; Hereditary breast and ovarian cancer syndrome; Hereditary breast and ovarian cancer syndrome (HBOC); Breast and ovarian cancer. Identifiers: Orphanet 145, MedGen C0677776, MeSH D061325, MONDO:0003582. Disease mechanism: loss of function.

Submission:

Labcorp Genetics (formerly Invitae), Labcorp
Classification: Uncertain significance for Hereditary breast ovarian cancer syndrome. Last evaluated: 2021-03-07. Review status: criteria provided, single submitter. Criteria: Invitae Variant Classification Sherloc (09022015). Collection method: clinical testing. Allele origin: germline.
Comment: Advanced modeling of protein sequence and biophysical properties (such as structural, functional, and spatial information, amino acid conservation, physicochemical variation, residue mobility, and thermodynamic stability) performed at Invitae indicates that this missense variant is expected to disrupt BRCA2 protein function. This variant has not been reported in the literature in individuals with BRCA2-related conditions. This variant is not present in population databases (ExAC no frequency). This sequence change replaces glycine with valine at codon 2578 of the BRCA2 protein (p.Gly2578Val). The glycine residue is highly conserved and there is a moderate physicochemical difference between glycine and valine. Algorithms developed to predict the effect of sequence changes on RNA splicing suggest that this variant may create or strengthen a splice site, but this prediction has not been confirmed by published transcriptional studies. In summary, the available evidence is currently insufficient to determine the role of this variant in disease. Therefore, it has been classified as a Variant of Uncertain Significance.